The following is an entry in ClinVar:

NM_001939.3(DRP2):c.1002G>C (p.Gln334His)

Gene: DRP2 (dystrophin related protein 2; plus strand). Cytogenetic location: Xq22.1.
Variant type: single nucleotide variant.
Coding change: c.1002G>C on transcript NM_001939.3 (MANE Select); coding-DNA position 1002, G replaced by C.
Protein change: p.Gln334His; replaces glutamine 334 with histidine.
Molecular consequence: missense variant.
Genome position (GRCh38, 1-based): chrX:101,242,930, G>C. VCF-style: chrX-101242930-G-C. GRCh37 (hg19) VCF-style: chrX-100497919-G-C.
Other names: c.768G>C, p.Gln256His (NM_001171184.2); short protein forms Q256H, Q334H.
Identifiers: ClinVar variation 2105973 (VCV002105973.4), dbSNP rs1922785465, ClinGen allele CA413919959.

ClinVar aggregate classification (germline): Uncertain significance (1 of 4 stars; one submission).

gnomAD v4.1: 3 of 1,208,859 alleles (0.00025%); highest among the groups gnomAD compares: South Asian, 0.0053%; no homozygotes.

Submission:

Labcorp Genetics (formerly Invitae), Labcorp
Classification: Uncertain significance. Last evaluated: 2022-03-03. Review status: criteria provided, single submitter. Criteria: Invitae Variant Classification Sherloc (09022015). Collection method: clinical testing. Allele origin: germline.
Comment: In summary, the available evidence is currently insufficient to determine the role of this variant in disease. Therefore, it has been classified as a Variant of Uncertain Significance. Algorithms developed to predict the effect of missense changes on protein structure and function (SIFT, PolyPhen-2, Align-GVGD) all suggest that this variant is likely to be tolerated. This variant has not been reported in the literature in individuals affected with DRP2-related conditions. This variant is not present in population databases (gnomAD no frequency). This sequence change replaces glutamine, which is neutral and polar, with histidine, which is basic and polar, at codon 334 of the DRP2 protein (p.Gln334His).